The following is an entry in ClinVar:

NM_003334.4(UBA1):c.2941-14C>T

Gene: UBA1 (ubiquitin like modifier activating enzyme 1; plus strand). Cytogenetic location: Xp11.3.
Variant type: single nucleotide variant.
Coding change: c.2941-14C>T on transcript NM_003334.4 (MANE Select); 14 bases into the intron before coding-DNA position 2941, C replaced by T.
Molecular consequence: intron variant.
Genome position (GRCh38, 1-based): chrX:47,214,523, C>T. VCF-style: chrX-47214523-C-T. GRCh37 (hg19) VCF-style: chrX-47073922-C-T.
Other names: c.2941-14C>T (NM_153280.3).
Identifiers: ClinVar variation 506925 (VCV000506925.9), dbSNP rs782755186, ClinGen allele CA10396240.

ClinVar aggregate classification (germline): Benign/Likely benign. Review status: criteria provided, multiple submitters, no conflicts (2 of 4 stars). 2 submissions from 2 submitters: Benign (1); Likely benign (1). Last evaluated 2025-10-17.

Conditions:
Infantile-onset X-linked spinal muscular atrophy. Also called: AMC, DISTAL, X-LINKED; ARTHROGRYPOSIS, X-LINKED, TYPE I; Spinal muscular atrophy, X-linked 2; Spinal Muscular Atrophy, X-Linked Infantile; SPINAL MUSCULAR ATROPHY, X-LINKED LETHAL INFANTILE. Identifiers: Orphanet 1145, MedGen C1844934, MONDO:0010532, OMIM 301830.

Allele frequency attached by ClinVar (database versions not stated): gnomAD 0.00001 and 0.00007; TOPMed 0.00001; 1000 Genomes Project 30x 0.00021; 1000 Genomes Project 0.00026; gnomAD exomes 0.00054; ExAC 0.00067.
gnomAD v4.1: 327 of 1,205,369 alleles (0.027%); highest among the groups gnomAD compares: South Asian, 0.55%; no homozygotes.

Submissions (2):

Labcorp Genetics (formerly Invitae), Labcorp
Classification: Benign for Infantile-onset X-linked spinal muscular atrophy. Last evaluated: 2025-10-17. Review status: criteria provided, single submitter. Criteria: Invitae Variant Classification Sherloc (09022015). Collection method: clinical testing. Allele origin: germline.

GeneDx
Classification: Likely benign. Last evaluated: 2017-01-24. Review status: criteria provided, single submitter. Criteria: GeneDx Variant Classification (06012015). Collection method: clinical testing. Allele origin: germline. Affected: yes.
Comment: This variant is considered likely benign or benign based on one or more of the following criteria: it is a conservative change, it occurs at a poorly conserved position in the protein, it is predicted to be benign by multiple in silico algorithms, and/or has population frequency not consistent with disease.